The following is an entry in ClinVar:

NM_001089.3(ABCA3):c.161C>T (p.Ala54Val)

Gene: ABCA3 (ATP binding cassette subfamily A member 3; minus strand). Cytogenetic location: 16p13.3.
Variant type: single nucleotide variant.
Coding change: c.161C>T on transcript NM_001089.3 (MANE Select); coding-DNA position 161, C replaced by T.
Protein change: p.Ala54Val; replaces alanine 54 with valine.
Molecular consequence: missense variant.
Genome position (GRCh38, 1-based): chr16:2,326,168, G>A on the plus strand (C>T on the coding strand, the complement: ABCA3 is on the minus strand). VCF-style: chr16-2326168-G-A. GRCh37 (hg19) VCF-style: chr16-2376169-G-A.
Other names: short protein forms A54V.
Identifiers: ClinVar variation 1318666 (VCV001318666.2), dbSNP rs759790104, ClinGen allele CA7841770.

ClinVar aggregate classification (germline): Uncertain significance (1 of 4 stars; one submission).

Allele frequency attached by ClinVar (database versions not stated): gnomAD exomes below 0.00001 and 0.00001; ExAC 0.00001.

Submission:

GeneDx
Classification: Uncertain significance. Last evaluated: 2019-05-10. Review status: criteria provided, single submitter. Criteria: GeneDx Variant Classification Process June 2021. Collection method: clinical testing. Allele origin: germline. Affected: yes.
Comment: Not observed at a significant frequency in large population cohorts (Lek et al., 2016); In silico analysis, which includes protein predictors and evolutionary conservation, supports that this variant does not alter protein structure/function; Has not been previously published as pathogenic or benign to our knowledge